The following is an entry in ClinVar:

ClinVar aggregate classification (germline): Likely benign. Review status: criteria provided, multiple submitters, no conflicts (2 of 4 stars). 4 submissions from 4 submitters: Likely benign (4). Last evaluated 2026-06-26.

Conditions:
EXT1-related disorder. Also called: EXT1-related condition.
Multiple congenital exostosis (EXT). Also called: Multiple exostoses; Hereditary multiple exostosis; Hereditary multiple osteochondromas; Hereditary multiple exostoses; MULTIPLE CARTILAGINOUS EXOSTOSES; Multiple osteochondromas. Identifiers: Orphanet 321, MedGen C0015306, MONDO:0005508, HP:0002762.

Allele frequency attached by ClinVar (database versions not stated): gnomAD 0.00002.
gnomAD v4.1: 16 of 1,607,840 alleles (0.001%); highest among the groups gnomAD compares: Non-Finnish European, 0.0014%; no homozygotes.

Submissions (4):

PreventionGenetics, part of Exact Sciences
Classification: Likely benign for EXT1-related condition. Last evaluated: 2026-06-26. Review status: criteria provided, single submitter. Criteria: ACMG Guidelines, 2015. Collection method: clinical testing. Allele origin: germline.
Comment: This variant is classified as likely benign based on ACMG/AMP sequence variant interpretation guidelines (Richards et al. 2015 PMID: 25741868, with internal and published modifications).

Labcorp Genetics (formerly Invitae), Labcorp
Classification: Likely benign for Multiple congenital exostosis. Last evaluated: 2025-07-21. Review status: criteria provided, single submitter. Criteria: Invitae Variant Classification Sherloc (09022015). Collection method: clinical testing. Allele origin: germline.

Laboratory of Genetics, Children's Clinical University Hospital Latvia
Classification: Likely benign. Last evaluated: 2025-02-16. Review status: criteria provided, single submitter. Criteria: ACMG Guidelines, 2015. Collection method: clinical testing. Allele origin: germline. Affected: yes.

Blueprint Genetics
Classification: Likely benign. Last evaluated: 2024-02-13. Review status: criteria provided, single submitter. Criteria: ACMG Guidelines, 2015. Collection method: clinical testing. Allele origin: germline.

NM_000127.3(EXT1):c.962+7G>C

Gene: EXT1 (exostosin glycosyltransferase 1; minus strand). Cytogenetic location: 8q24.11.
Variant type: single nucleotide variant.
Coding change: c.962+7G>C on transcript NM_000127.3 (MANE Select); 7 bases into the intron after coding-DNA position 962, G replaced by C.
Molecular consequence: intron variant.
Genome position (GRCh38, 1-based): chr8:118,110,078, C>G on the plus strand (G>C on the coding strand, the complement: EXT1 is on the minus strand). VCF-style: chr8-118110078-C-G. GRCh37 (hg19) VCF-style: chr8-119122317-C-G.
Other names: c.962+7G>C (NM_000127.2).
Identifiers: ClinVar variation 1097084 (VCV001097084.12), dbSNP rs778490814, ClinGen allele CA4854295.